The following is an entry in ClinVar:

ClinVar aggregate classification (germline): Uncertain significance (1 of 4 stars; one submission).

Submission:

Labcorp Genetics (formerly Invitae), Labcorp
Classification: Uncertain significance. Last evaluated: 2024-11-18. Review status: criteria provided, single submitter. Criteria: Invitae Variant Classification Sherloc (09022015). Collection method: clinical testing. Allele origin: germline.
Comment: This sequence change replaces lysine, which is basic and polar, with glutamic acid, which is acidic and polar, at codon 1600 of the KIAA1549 protein (p.Lys1600Glu). This variant is not present in population databases (gnomAD no frequency). This variant has not been reported in the literature in individuals affected with KIAA1549-related conditions. ClinVar contains an entry for this variant (Variation ID: 2130623). An algorithm developed to predict the effect of missense changes on protein structure and function (PolyPhen-2) suggests that this variant is likely to be disruptive. In summary, the available evidence is currently insufficient to determine the role of this variant in disease. Therefore, it has been classified as a Variant of Uncertain Significance.

NM_001164665.2(KIAA1549):c.4798A>G (p.Lys1600Glu)

Gene: KIAA1549 (KIAA1549; minus strand). Cytogenetic location: 7q34.
Variant type: single nucleotide variant.
Coding change: c.4798A>G on transcript NM_001164665.2 (MANE Select); coding-DNA position 4798, A replaced by G.
Protein change: p.Lys1600Glu; replaces lysine 1600 with glutamic acid.
Molecular consequence: missense variant.
Genome position (GRCh38, 1-based): chr7:138,868,106, T>C on the plus strand (A>G on the coding strand, the complement: KIAA1549 is on the minus strand). VCF-style: chr7-138868106-T-C. GRCh37 (hg19) VCF-style: chr7-138552852-T-C.
Other names: c.4798A>G, p.Lys1600Glu (NM_020910.3); short protein forms K1600E.
Identifiers: ClinVar variation 2130623 (VCV002130623.4), dbSNP rs1810806998, ClinGen allele CA369397910.